The following is an entry in ClinVar:

ClinVar aggregate classification (germline): Uncertain significance (1 of 4 stars; one submission).

Conditions:
Martsolf syndrome (MARTS). Also called: Congenital cataract with intellectual disability and hypogonadotropic hypogonadism syndrome. Identifiers: Orphanet 1387, MedGen C0796037, MONDO:0023910.
Warburg micro syndrome 2 (WARBM2). Also called: MICRO SYNDROME 2. Identifiers: Orphanet 2510, MedGen C3280214, MONDO:0013641, OMIM 614225.

Allele frequency attached by ClinVar (database versions not stated): TOPMed 0.00002.
gnomAD v4.1: 3 of 1,612,124 alleles (0.00019%); highest among the groups gnomAD compares: Non-Finnish European, 0.00025%; no homozygotes.

Submission:

Labcorp Genetics (formerly Invitae), Labcorp
Classification: Uncertain significance for Martsolf syndrome; Warburg micro syndrome 2. Last evaluated: 2022-05-12. Review status: criteria provided, single submitter. Criteria: Invitae Variant Classification Sherloc (09022015). Collection method: clinical testing. Allele origin: germline.
Comment: In summary, the available evidence is currently insufficient to determine the role of this variant in disease. Therefore, it has been classified as a Variant of Uncertain Significance. Algorithms developed to predict the effect of missense changes on protein structure and function (SIFT, PolyPhen-2, Align-GVGD) all suggest that this variant is likely to be tolerated. This variant has not been reported in the literature in individuals affected with RAB3GAP2-related conditions. This variant is not present in population databases (gnomAD no frequency). This sequence change replaces lysine, which is basic and polar, with asparagine, which is neutral and polar, at codon 721 of the RAB3GAP2 protein (p.Lys721Asn).

NM_012414.4(RAB3GAP2):c.2163G>T (p.Lys721Asn)

Gene: RAB3GAP2 (RAB3 GTPase activating non-catalytic protein subunit 2; minus strand). Cytogenetic location: 1q41.
Variant type: single nucleotide variant.
Coding change: c.2163G>T on transcript NM_012414.4 (MANE Select); coding-DNA position 2163, G replaced by T.
Protein change: p.Lys721Asn; replaces lysine 721 with asparagine.
Molecular consequence: missense variant.
Genome position (GRCh38, 1-based): chr1:220,182,767, C>A on the plus strand (G>T on the coding strand, the complement: RAB3GAP2 is on the minus strand). VCF-style: chr1-220182767-C-A. GRCh37 (hg19) VCF-style: chr1-220356109-C-A.
Other names: short protein forms K721N.
Identifiers: ClinVar variation 2940590 (VCV002940590.3), dbSNP rs1321108653, ClinGen allele CA344642339.